The following is an entry in ClinVar:

ClinVar aggregate classification (germline): Uncertain significance (1 of 4 stars; one submission).

Conditions:
Hereditary cancer-predisposing syndrome. Also called: Tumor predisposition; Neoplastic Syndromes, Hereditary; Hereditary neoplastic syndrome; Hereditary Cancer Syndrome. Identifiers: Orphanet 140162, MedGen C0027672, MeSH D009386, MONDO:0015356.

Submission:

Ambry Genetics
Classification: Uncertain significance for Hereditary cancer-predisposing syndrome. Last evaluated: 2025-08-27. Review status: criteria provided, single submitter. Criteria: Ambry Variant Classification Scheme 2023. Collection method: clinical testing. Allele origin: germline.
Comment: The p.S508P variant (also known as c.1522T>C), located in coding exon 16 of the MUTYH gene, results from a T to C substitution at nucleotide position 1522. The serine at codon 508 is replaced by proline, an amino acid with similar properties. This amino acid position is conserved. In addition, this alteration is predicted to be tolerated by in silico analysis. Based on the available evidence, the clinical significance of this variant remains unclear.

NM_001048174.2(MUTYH):c.1438T>C (p.Ser480Pro)

Gene: MUTYH (mutY DNA glycosylase; minus strand). Cytogenetic location: 1p34.1.
Variant type: single nucleotide variant.
Coding change: c.1438T>C on transcript NM_001048174.2 (MANE Select); coding-DNA position 1438, T replaced by C.
Protein change: p.Ser480Pro; replaces serine 480 with proline.
Molecular consequence: missense variant. On other transcripts: non-coding transcript variant (7).
Genome position (GRCh38, 1-based): chr1:45,329,434, A>G on the plus strand (T>C on the coding strand, the complement: MUTYH is on the minus strand). VCF-style: chr1-45329434-A-G. GRCh37 (hg19) VCF-style: chr1-45795106-A-G.
Other names: c.1480T>C, p.Ser494Pro (NM_001407083.1, NM_001407085.1); c.1441T>C, p.Ser481Pro (NM_001407086.1, NM_001048172.2, NM_001407071.1 and 1 more transcripts); c.1459T>C, p.Ser487Pro (NM_001407087.1); c.1438T>C, p.Ser480Pro (NM_001407088.1, NM_001407089.1, NM_001048171.2 and 6 more transcripts); c.1162T>C, p.Ser388Pro (NM_001407091.1, NM_001293192.2, NM_001293196.2); c.1513T>C, p.Ser505Pro (NM_012222.3); c.1522T>C, p.Ser508Pro (NM_001128425.2); c.1483T>C, p.Ser495Pro (NM_001293190.2); and 5 more; short protein forms S481P, S487P, S494P, S495P, S365P, S452P, S480P, S388P.
Identifiers: ClinVar variation 4113322 (VCV004113322.1).